The following is an entry in ClinVar:

ClinVar aggregate classification (germline): Pathogenic (1 of 4 stars; one submission).

Conditions:
Cardiovascular phenotype. Identifiers: MedGen CN230736.

Submission:

Ambry Genetics
Classification: Pathogenic for Cardiovascular phenotype. Last evaluated: 2026-04-16. Review status: criteria provided, single submitter. Criteria: Ambry Variant Classification Scheme 2023. Collection method: clinical testing. Allele origin: germline.
Comment: The p.E2735* pathogenic mutation (also known as c.8203G>T), located in coding exon 23 of the TNXB gene, results from a G to T substitution at nucleotide position 8203. This changes the amino acid from a glutamic acid to a stop codon within coding exon 23. This variant is considered to be rare based on population cohorts in the Genome Aggregation Database (gnomAD). This alteration is expected to result in loss of function by premature protein truncation or nonsense-mediated mRNA decay. As such, this alteration is interpreted as a disease-causing mutation.

NM_001365276.2(TNXB):c.8203G>T (p.Glu2735Ter)

Gene: TNXB (tenascin XB; minus strand). Cytogenetic location: 6p21.33.
Variant type: single nucleotide variant.
Coding change: c.8203G>T on transcript NM_001365276.2 (MANE Select); coding-DNA position 8203, G replaced by T.
Protein change: p.Glu2735Ter; replaces glutamic acid 2735 with a stop codon.
Molecular consequence: nonsense.
Genome position (GRCh38, 1-based): chr6:32,056,115, C>A on the plus strand (G>T on the coding strand, the complement: TNXB is on the minus strand). VCF-style: chr6-32056115-C-A. GRCh37 (hg19) VCF-style: chr6-32023892-C-A.
Other names: c.8944G>T, p.Glu2982Ter (NM_001428335.1); c.8203G>T, p.Glu2735Ter (NM_019105.8); short protein forms E2982*, E2735*.
Identifiers: ClinVar variation 4188702 (VCV004188702.2).
Genomic context (GRCh38, chr6:32,056,115, plus strand): 5'-AGAGGCTCAGCGAGTCAGGGGAGGATCCTGTCACTGTCAGCTCCCCCAGGAGCGGCTCCT[C>A]AGGGGGCTCCGGGGCCTCAGTGCTGAGTTCCGTGGGGCTGGGGGTCTCTTCCTCTGCAGC-3'